The following is an entry in ClinVar:

ClinVar aggregate classification (germline): Conflicting classifications of pathogenicity. Review status: criteria provided, conflicting classifications (1 of 4 stars). 2 submissions from 2 submitters: Uncertain significance (1); Benign (1). Last evaluated 2023-12-11.

Conditions:
Heterotopia, periventricular, X-linked dominant (PVNH1). Also called: PERIVENTRICULAR NODULAR HETEROTOPIA 1; X-linked periventricular heterotopia; PERIVENTRICULAR NODULAR HETEROTOPIA 4; HETEROTOPIA, PERIVENTRICULAR, 1. Identifiers: Orphanet 2149, Orphanet 82004, MedGen C1848213, MONDO:0010233, OMIM 300049.
Melnick-Needles syndrome (MNS). Also called: MELNICK-NEEDLES OSTEODYSPLASTY; OSTEODYSPLASTY OF MELNICK AND NEEDLES; Melnick-Needles Syndrome (FLNA-MNS). Identifiers: Orphanet 2484, MedGen C0025237, MONDO:0010650, OMIM 309350.
Frontometaphyseal dysplasia (FMD1). Identifiers: Orphanet 1826, MedGen C0265293, MONDO:0015942.
Oto-palato-digital syndrome, type II (OPD2). Also called: FACIOPALATOOSSEOUS SYNDROME; OPD II SYNDROME; Otopalatodigital Syndrome Type 2 (FLNA-OPD2); Otopalatodigital Syndrome, Type II. Identifiers: Orphanet 669, Orphanet 90652, MedGen C1844696, MONDO:0010571, OMIM 304120.

Allele frequency attached by ClinVar (database versions not stated): ExAC 0.00001; gnomAD exomes 0.00001; gnomAD 0.00004; TOPMed 0.00004.

Submissions (2):

Labcorp Genetics (formerly Invitae), Labcorp
Classification: Benign for Oto-palato-digital syndrome, type II; Heterotopia, periventricular, X-linked dominant; Frontometaphyseal dysplasia; Melnick-Needles syndrome. Last evaluated: 2023-12-11. Review status: criteria provided, single submitter. Criteria: Invitae Variant Classification Sherloc (09022015). Collection method: clinical testing. Allele origin: germline.

GeneDx
Classification: Uncertain significance. Last evaluated: 2022-05-14. Review status: criteria provided, single submitter. Criteria: GeneDx Variant Classification Process June 2021. Collection method: clinical testing. Allele origin: germline. Affected: yes.
Comment: In silico analysis supports that this missense variant has a deleterious effect on protein structure/function; Has not been previously published as pathogenic or benign to our knowledge

NM_001110556.2(FLNA):c.1854G>C (p.Gln618His)

Gene: FLNA (filamin A; minus strand). Cytogenetic location: Xq28.
Variant type: single nucleotide variant.
Coding change: c.1854G>C on transcript NM_001110556.2 (MANE Select); coding-DNA position 1854, G replaced by C.
Protein change: p.Gln618His; replaces glutamine 618 with histidine.
Molecular consequence: missense variant.
Genome position (GRCh38, 1-based): chrX:154,364,694, C>G on the plus strand (G>C on the coding strand, the complement: FLNA is on the minus strand). VCF-style: chrX-154364694-C-G. GRCh37 (hg19) VCF-style: chrX-153593062-C-G.
Other names: c.1854G>C, p.Gln618His (NM_001456.4); short protein forms Q618H.
Identifiers: ClinVar variation 1211700 (VCV001211700.10), dbSNP rs782495413, ClinGen allele CA10561061.
Genomic context (GRCh38, chrX:154,364,694, plus strand): 5'-CTGCGGCCAGTAGCGCACATCACAGGAGCCGTCGCCCTTGTCGTCACATTCGATCTTAGC[C>G]TGCGATGGCCCTTCCACCGAGAAGCCTGACAACAGCCACCAGTCCCCTCAGTGCCCTGGA-3'
Protein context (NP_001104026.1, residues 608-628): TLGFSVEGPS[Gln618His]AKIECDDKGD